The following is an entry in ClinVar:

NM_173596.3(SLC39A5):c.728G>A (p.Arg243Gln)

Gene: SLC39A5 (solute carrier family 39 member 5; plus strand). Cytogenetic location: 12q13.3.
Variant type: single nucleotide variant.
Coding change: c.728G>A on transcript NM_173596.3 (MANE Select); coding-DNA position 728, G replaced by A.
Protein change: p.Arg243Gln; replaces arginine 243 with glutamine.
Molecular consequence: missense variant.
Genome position (GRCh38, 1-based): chr12:56,235,250, G>A. VCF-style: chr12-56235250-G-A. GRCh37 (hg19) VCF-style: chr12-56629034-G-A.
Other names: c.728G>A, p.Arg243Gln (NM_001135195.2); short protein forms R243Q.
Identifiers: ClinVar variation 776720 (VCV000776720.6), dbSNP rs114552970, ClinGen allele CA6627158.

ClinVar aggregate classification (germline): Benign. Review status: criteria provided, multiple submitters, no conflicts (2 of 4 stars). 3 submissions from 3 submitters: Benign (2). 1 of the submissions does not count toward it. Last evaluated 2018-03-29.

Conditions:
SLC39A5-related disorder. Also called: SLC39A5-related condition.

Allele frequency attached by ClinVar (database versions not stated): gnomAD exomes 0.00072 and 0.00217; gnomAD 0.00772 and 0.00741; ESP Exome Variant Server 0.00807; TOPMed 0.00824; 1000 Genomes Project 0.01238; 1000 Genomes Project 30x 0.01359; ExAC 0.00272.

Submissions (3):

Labcorp Genetics (formerly Invitae), Labcorp
Classification: Benign. Last evaluated: 2018-03-29. Review status: criteria provided, single submitter. Criteria: Invitae Variant Classification Sherloc (09022015). Collection method: clinical testing. Allele origin: germline.

Breakthrough Genomics
Classification: Benign. Review status: criteria provided, single submitter. Criteria: ACMG Guidelines, 2015. Collection method: not provided. Allele origin: germline. Inheritance: Autosomal dominant inheritance. Affected: yes.

PreventionGenetics, part of Exact Sciences
Classification: Benign for SLC39A5-related condition. Last evaluated: 2019-04-09. Review status: no assertion criteria provided. Collection method: clinical testing. Allele origin: germline. Not counted in ClinVar's aggregate classification.
Comment: This variant is classified as benign based on ACMG/AMP sequence variant interpretation guidelines (Richards et al. 2015 PMID: 25741868, with internal and published modifications).